The following is an entry in ClinVar:

ClinVar aggregate classification (germline): Uncertain significance (1 of 4 stars; one submission).

Conditions:
Inborn genetic diseases. Identifiers: MedGen C0950123, MeSH D030342.

Allele frequency attached by ClinVar (database versions not stated): TOPMed below 0.00001; ExAC 0.00001; gnomAD 0.00001.
gnomAD v4.1: 4 of 1,613,406 alleles (0.00025%); highest among the groups gnomAD compares: African/African-American, 0.0013%; no homozygotes.

Submission:

Ambry Genetics
Classification: Uncertain significance for Inborn genetic diseases. Last evaluated: 2023-02-09. Review status: criteria provided, single submitter. Criteria: Ambry Variant Classification Scheme 2023. Collection method: clinical testing. Allele origin: germline.
Comment: The p.E1280K variant (also known as c.3838G>A), located in coding exon 28 of the LRRK2 gene, results from a G to A substitution at nucleotide position 3838. The glutamic acid at codon 1280 is replaced by lysine, an amino acid with similar properties. This amino acid position is conserved. In addition, this alteration is predicted to be tolerated by in silico analysis. Since supporting evidence is limited at this time, the clinical significance of this alteration remains unclear.

NM_198578.4(LRRK2):c.3838G>A (p.Glu1280Lys)

Gene: LRRK2 (leucine rich repeat kinase 2; plus strand). Cytogenetic location: 12q12.
Variant type: single nucleotide variant.
Coding change: c.3838G>A on transcript NM_198578.4 (MANE Select); coding-DNA position 3838, G replaced by A.
Protein change: p.Glu1280Lys; replaces glutamic acid 1280 with lysine.
Molecular consequence: missense variant.
Genome position (GRCh38, 1-based): chr12:40,305,845, G>A. VCF-style: chr12-40305845-G-A. GRCh37 (hg19) VCF-style: chr12-40699647-G-A.
Other names: short protein forms E1280K.
Identifiers: ClinVar variation 2453106 (VCV002453106.2), dbSNP rs772276009, ClinGen allele CA6514025.